The following is an entry in ClinVar:

ClinVar aggregate classification (germline): Likely benign (1 of 4 stars; one submission).

Allele frequency attached by ClinVar (database versions not stated): gnomAD exomes 0.00111; gnomAD 0.00913; TOPMed 0.01016; 1000 Genomes Project 30x 0.01343; 1000 Genomes Project 0.01358.
gnomAD v4.1: 2,407 of 1,000,642 alleles (0.24%); highest among the groups gnomAD compares: African/African-American, 3.1%; 29 homozygotes.

Submission:

GeneDx
Classification: Likely benign. Last evaluated: 2019-11-29. Review status: criteria provided, single submitter. Criteria: GeneDx Variant Classification Process June 2021. Collection method: clinical testing. Allele origin: germline. Affected: yes.
Comment: See Variant Classification Assertion Criteria.

NM_022369.4(STRA6):c.1091-118G>C

Genes: STRA6 (signaling receptor and transporter of retinol STRA6; minus strand), LOC126862177 (CDK7 strongly-dependent group 2 enhancer GRCh37_chr15:74476518-74477717; plus strand). Cytogenetic location: 15q24.1.
Variant type: single nucleotide variant.
Coding change: c.1091-118G>C on transcript NM_022369.4 (MANE Select); 118 bases into the intron before coding-DNA position 1091, G replaced by C.
Molecular consequence: intron variant.
Genome position (GRCh38, 1-based): chr15:74,185,173, C>G on the plus strand (G>C on the coding strand, the complement: STRA6 is on the minus strand). VCF-style: chr15-74185173-C-G. GRCh37 (hg19) VCF-style: chr15-74477514-C-G.
Other names: c.1202-118G>C (NM_001199040.2); c.1064-118G>C (NM_001142619.2); c.1091-118G>C (NM_001142617.2, NM_001142618.2); c.1136-118G>C (NM_001199041.2); c.1208-118G>C (NM_001199042.2).
Identifiers: ClinVar variation 1707377 (VCV001707377.2), dbSNP rs140365915, ClinGen allele CA272749766.